The following is an entry in ClinVar:

ClinVar aggregate classification (germline): Uncertain significance (1 of 4 stars; one submission).

Submission:

Geisinger Autism and Developmental Medicine Institute, Geisinger Health System
Classification: Uncertain significance. Last evaluated: 2018-03-27. Review status: criteria provided, single submitter. Criteria: ACMG CNV Guidelines, 2011. Collection method: provider interpretation. Allele origin: unknown.
Comment: Similar duplications that involve the ARX gene have been reported in males in the literature. Two males had developmental delay and intellectual disability while two others had typical intelligence, causing the authors to postulate that another genetic varaint explained or contributed to the two patients' neurodevelopmental phenotype (Popoviel et al. 2014).

Literature cited by the submitters: PubMed 25044608.

Single allele

Genes: ARX (aristaless related homeobox; minus strand), PCYT1B (phosphate cytidylyltransferase 1B, choline; minus strand), POLA1 (DNA polymerase alpha 1, catalytic subunit; plus strand). Cytogenetic location: Xp22.11-21.3.
Variant type: Duplication.
Identifiers: ClinVar variation 560115 (VCV000560115.3).